The following is an entry in ClinVar:

ClinVar aggregate classification (germline): Uncertain significance (1 of 4 stars; one submission).

Allele frequency attached by ClinVar (database versions not stated): TOPMed 0.00001; ExAC 0.00003; gnomAD exomes 0.00004.
gnomAD v4.1: 12 of 1,614,176 alleles (0.00074%); highest among the groups gnomAD compares: Admixed American, 0.02%; no homozygotes.

Submission:

Labcorp Genetics (formerly Invitae), Labcorp
Classification: Uncertain significance. Last evaluated: 2022-06-11. Review status: criteria provided, single submitter. Criteria: Invitae Variant Classification Sherloc (09022015). Collection method: clinical testing. Allele origin: germline.
Comment: This sequence change replaces leucine, which is neutral and non-polar, with tryptophan, which is neutral and slightly polar, at codon 2 of the CNGB1 protein (p.Leu2Trp). This variant is present in population databases (rs781036792, gnomAD 0.03%). This variant has not been reported in the literature in individuals affected with CNGB1-related conditions. ClinVar contains an entry for this variant (Variation ID: 999868). Advanced modeling of protein sequence and biophysical properties (such as structural, functional, and spatial information, amino acid conservation, physicochemical variation, residue mobility, and thermodynamic stability) performed at Invitae indicates that this missense variant is not expected to disrupt CNGB1 protein function. In summary, the available evidence is currently insufficient to determine the role of this variant in disease. Therefore, it has been classified as a Variant of Uncertain Significance.

NM_001297.5(CNGB1):c.5T>G (p.Leu2Trp)

Gene: CNGB1 (cyclic nucleotide gated channel subunit beta 1; minus strand). Cytogenetic location: 16q21.
Variant type: single nucleotide variant.
Coding change: c.5T>G on transcript NM_001297.5 (MANE Select); coding-DNA position 5, T replaced by G.
Protein change: p.Leu2Trp; replaces leucine 2 with tryptophan.
Molecular consequence: missense variant.
Genome position (GRCh38, 1-based): chr16:57,967,282, A>C on the plus strand (T>G on the coding strand, the complement: CNGB1 is on the minus strand). VCF-style: chr16-57967282-A-C. GRCh37 (hg19) VCF-style: chr16-58001186-A-C.
Other names: c.5T>G, p.Leu2Trp (NM_001135639.2, NM_001286130.2); short protein forms L2W.
Identifiers: ClinVar variation 999868 (VCV000999868.6), dbSNP rs781036792, ClinGen allele CA8084022.